The following is an entry in ClinVar:

ClinVar aggregate classification (germline): Uncertain significance. Review status: criteria provided, multiple submitters, no conflicts (2 of 4 stars). 3 submissions from 3 submitters: Uncertain significance (3). Last evaluated 2022-02-15.

Conditions:
Bardet-Biedl syndrome (BBS). Identifiers: Orphanet 110, MedGen C0752166, MONDO:0015229.
Bardet-Biedl syndrome 4 (BBS4). Identifiers: Orphanet 110, MedGen C2936864, MONDO:0014433, OMIM 615982.

Submissions (3):

Fulgent Genetics
Classification: Uncertain significance for Bardet-Biedl syndrome 4. Last evaluated: 2022-02-15. Review status: criteria provided, single submitter. Criteria: ACMG Guidelines, 2015. Collection method: clinical testing. Allele origin: unknown.

Labcorp Genetics (formerly Invitae), Labcorp
Classification: Uncertain significance for Bardet-Biedl syndrome. Last evaluated: 2021-10-29. Review status: criteria provided, single submitter. Criteria: Invitae Variant Classification Sherloc (09022015). Collection method: clinical testing. Allele origin: germline.
Comment: This sequence change results in a frameshift in the BBS4 gene (p.Lys519Ilefs*5). While this is not anticipated to result in nonsense mediated decay, it is expected to disrupt the last 1 amino acid(s) of the BBS4 protein and extend the protein by 3 additional amino acid residues. This variant is present in population databases (no rsID available, gnomAD 0.01%). This variant has not been reported in the literature in individuals affected with BBS4-related conditions. Experimental studies and prediction algorithms are not available or were not evaluated, and the functional significance of this variant is currently unknown. In summary, the available evidence is currently insufficient to determine the role of this variant in disease. Therefore, it has been classified as a Variant of Uncertain Significance.

Breakthrough Genomics
Classification: Uncertain significance. Review status: criteria provided, single submitter. Criteria: ACMG Guidelines, 2015. Collection method: not provided. Allele origin: germline. Inheritance: Autosomal recessive inheritance. Affected: yes.

NM_033028.5(BBS4):c.1554_1555del (p.Lys519fs)

Gene: BBS4 (Bardet-Biedl syndrome 4; plus strand). Cytogenetic location: 15q24.1.
Variant type: Microsatellite.
Coding change: c.1554_1555del on transcript NM_033028.5 (MANE Select); coding-DNA positions 1554 to 1555, 2 bases deleted (GA; older notation c.1554_1555delGA).
Protein change: p.Lys519fs; shifts the reading frame from lysine 519.
Molecular consequence: frameshift variant. On other transcripts: non-coding transcript variant (2).
Genome position (GRCh38, 1-based): chr15:72,737,581-72,737,582, GA deleted; deleting any 2 consecutive bases within chr15:72,737,576-72,737,582 gives the same sequence; the c. name uses the placement nearest the transcript's 3' end. VCF-style (leftmost placement, unchanged base first): chr15-72737575-AAG-A. GRCh37 (hg19) VCF-style: chr15-73029916-AAG-A.
Other names: c.1038_1039del, p.Lys347fs (NM_001252678.2); c.1485_1486del, p.Lys496fs (NM_001320665.2); short protein forms K347fs, K519fs, K496fs.
Identifiers: ClinVar variation 1434535 (VCV001434535.5), dbSNP rs1463405501, ClinGen allele CA619070938.